The following is an entry in ClinVar:

NM_016203.4(PRKAG2):c.231C>T (p.Phe77=)

Gene: PRKAG2 (protein kinase AMP-activated non-catalytic subunit gamma 2; minus strand). Cytogenetic location: 7q36.1.
Variant type: single nucleotide variant.
Coding change: c.231C>T on transcript NM_016203.4 (MANE Select); coding-DNA position 231, C replaced by T.
Protein change: p.Phe77=; no amino-acid change (phenylalanine 77 retained).
Molecular consequence: synonymous variant. On other transcripts: intron variant (1).
Genome position (GRCh38, 1-based): chr7:151,781,387, G>A on the plus strand (C>T on the coding strand, the complement: PRKAG2 is on the minus strand). VCF-style: chr7-151781387-G-A. GRCh37 (hg19) VCF-style: chr7-151478473-G-A.
Other names: c.99C>T, p.Phe33= (NM_001040633.2, NM_001407024.1, NM_001407026.1 and 2 more transcripts); c.231C>T, p.Phe77= (NM_001407021.1, NM_001407022.1, NM_001407023.1 and 2 more transcripts); c.148+33029C>T (NM_001407032.1).
Identifiers: ClinVar variation 2887711 (VCV002887711.4), dbSNP rs757007148, ClinGen allele CA056548.

ClinVar aggregate classification (germline): Conflicting classifications of pathogenicity. Review status: criteria provided, conflicting classifications (1 of 4 stars). 2 submissions from 2 submitters: Uncertain significance (1); Likely benign (1). Last evaluated 2025-06-03.

Conditions:
Cardiomyopathy (CMYO). Also called: Cardiomyopathies. Identifiers: Orphanet 167848, MedGen C0878544, MONDO:0004994, HP:0001638. Inheritance: Various modes of inheritance.
Lethal congenital glycogen storage disease of heart. Also called: GLYCOGEN STORAGE DISEASE OF HEART; PHOSPHORYLASE KINASE DEFICIENCY OF HEART. Identifiers: Orphanet 439854, MedGen C1849813, MONDO:0009867, OMIM 261740.

Allele frequency attached by ClinVar (database versions not stated): gnomAD exomes below 0.00001; ExAC 0.00001; TOPMed 0.00002.
gnomAD v4.1: 5 of 1,612,390 alleles (0.00031%); highest among the groups gnomAD compares: Non-Finnish European, 0.00042%; no homozygotes.

Submissions (2):

Color Diagnostics, LLC DBA Color Health
Classification: Uncertain significance for Cardiomyopathy. Last evaluated: 2025-06-03. Review status: criteria provided, single submitter. Criteria: ACMG Guidelines, 2015. Collection method: clinical testing. Allele origin: germline.
Comment: This synonymous variant causes a nucleotide substitution but does not change the encoded amino acid at codon 77 of the PRKAG2 protein. To our knowledge, functional studies have not been reported for this variant. This variant has been reported in an individual affected with Wolff-Parkinson-White syndrome (PMID: 26284702). This variant has been identified in 1/242470 chromosomes in the general population by the Genome Aggregation Database (gnomAD). The available evidence is insufficient to determine the role of this variant in disease conclusively. Therefore, this variant is classified as a Variant of Uncertain Significance.

Labcorp Genetics (formerly Invitae), Labcorp
Classification: Likely benign for Lethal congenital glycogen storage disease of heart. Last evaluated: 2022-12-09. Review status: criteria provided, single submitter. Criteria: Invitae Variant Classification Sherloc (09022015). Collection method: clinical testing. Allele origin: germline.

Literature cited by the submitters: PubMed 26284702 (cited by Color Diagnostics, LLC DBA Color Health).